The following is an entry in ClinVar:

ClinVar aggregate classification (germline): Benign/Likely benign. Review status: criteria provided, multiple submitters, no conflicts (2 of 4 stars). 4 submissions from 4 submitters: Benign (1); Likely benign (3). Last evaluated 2025-01-07.

Conditions:
Hereditary nonpolyposis colorectal neoplasms. Identifiers: MedGen C0009405, MeSH D003123.
Hereditary cancer-predisposing syndrome. Also called: Hereditary neoplastic syndrome; Neoplastic Syndromes, Hereditary; Tumor predisposition; Hereditary Cancer Syndrome. Identifiers: Orphanet 140162, MedGen C0027672, MeSH D009386, MONDO:0015356.
Lynch syndrome 5 (LYNCH5). Also called: Hereditary non-polyposis colorectal cancer, type 5; Colorectal cancer, hereditary nonpolyposis, type 5. Identifiers: Orphanet 144, MedGen C1833477, MONDO:0013710, OMIM 614350. Disease mechanism: loss of function.

Allele frequency attached by ClinVar (database versions not stated): gnomAD exomes below 0.00001.
gnomAD v4.1: 1 of 1,613,212 alleles (0.000062%); highest among the groups gnomAD compares: South Asian, 0.0011%; no homozygotes.

Submissions (4):

Myriad Genetics, Inc.
Classification: Benign for Lynch syndrome 5. Last evaluated: 2025-01-07. Review status: criteria provided, single submitter. Criteria: Myriad Autosomal Dominant, Autosomal Recessive and X-Linked Classification Criteria (2023). Collection method: clinical testing. Allele origin: unknown.
Comment: This variant is considered benign. This variant is a silent/synonymous amino acid change and it is not expected to impact splicing.

Labcorp Genetics (formerly Invitae), Labcorp
Classification: Likely benign for Hereditary nonpolyposis colorectal neoplasms. Last evaluated: 2023-07-03. Review status: criteria provided, single submitter. Criteria: Invitae Variant Classification Sherloc (09022015). Collection method: clinical testing. Allele origin: germline.

Color Diagnostics, LLC DBA Color Health
Classification: Likely benign for Hereditary cancer-predisposing syndrome. Last evaluated: 2023-03-15. Review status: criteria provided, single submitter. Criteria: ACMG Guidelines, 2015. Collection method: clinical testing. Allele origin: germline.

Ambry Genetics
Classification: Likely benign for Hereditary cancer-predisposing syndrome. Last evaluated: 2014-07-01. Review status: criteria provided, single submitter. Criteria: Ambry Variant Classification Scheme 2023. Collection method: clinical testing. Allele origin: germline.

NM_000179.3(MSH6):c.3618A>G (p.Ala1206=)

Gene: MSH6 (mutS homolog 6; plus strand). Cytogenetic location: 2p16.3.
Variant type: single nucleotide variant.
Coding change: c.3618A>G on transcript NM_000179.3 (MANE Select); coding-DNA position 3618, A replaced by G.
Protein change: p.Ala1206=; no amino-acid change (alanine 1206 retained).
Molecular consequence: synonymous variant.
Genome position (GRCh38, 1-based): chr2:47,805,679, A>G. VCF-style: chr2-47805679-A-G. GRCh37 (hg19) VCF-style: chr2-48032818-A-G.
Other names: c.3228A>G, p.Ala1076= (NM_001281492.2); c.2712A>G, p.Ala904= (NM_001281493.2, NM_001281494.2).
Identifiers: ClinVar variation 185436 (VCV000185436.19), dbSNP rs786202172, ClinGen allele CA013557.